The following is an entry in ClinVar:

ClinVar aggregate classification (germline): Uncertain significance. Review status: criteria provided, multiple submitters, no conflicts (2 of 4 stars). 2 submissions from 2 submitters: Uncertain significance (2). Last evaluated 2025-08-24.

Conditions:
Inborn genetic diseases. Identifiers: MedGen C0950123, MeSH D030342.

Submissions (2):

Ambry Genetics
Classification: Uncertain significance for Inborn genetic diseases. Last evaluated: 2025-08-24. Review status: criteria provided, single submitter. Criteria: Ambry Variant Classification Scheme 2023. Collection method: clinical testing. Allele origin: germline.

GeneDx
Classification: Uncertain significance. Last evaluated: 2025-05-22. Review status: criteria provided, single submitter. Criteria: GeneDx Variant Classification Process June 2021. Collection method: clinical testing. Allele origin: germline. Affected: yes.
Comment: Has not been previously published as pathogenic or benign to our knowledge; In silico analysis does not support a benign or deleterious effect of this variant on protein structure/function

NM_033517.1:c.2279G>A

Gene: SHANK3 (SH3 and multiple ankyrin repeat domains 3; plus strand).
Variant type: single nucleotide variant.
Other names: c.2279G>A (NM_033517.1).
Identifiers: ClinVar variation 4164537 (VCV004164537.2).